The following is an entry in ClinVar:

ClinVar aggregate classification (germline): Uncertain significance (1 of 4 stars; one submission).

Submission:

GeneDx
Classification: Uncertain significance. Last evaluated: 2024-03-13. Review status: criteria provided, single submitter. Criteria: GeneDx Variant Classification Process June 2021. Collection method: clinical testing. Allele origin: germline. Affected: yes.
Comment: Not observed at significant frequency in large population cohorts (gnomAD); In silico analysis supports that this missense variant has a deleterious effect on protein structure/function; Has not been previously published as pathogenic or benign to our knowledge

NM_001393769.1(MED12L):c.3014C>T (p.Ser1005Leu)

Genes: MED12L (mediator complex subunit 12L; plus strand), P2RY12 (purinergic receptor P2Y12; minus strand). Cytogenetic location: 3q25.1.
Variant type: single nucleotide variant.
Coding change: c.3014C>T on transcript NM_001393769.1 (MANE Select); coding-DNA position 3014, C replaced by T.
Protein change: p.Ser1005Leu; replaces serine 1005 with leucine.
Molecular consequence: missense variant. On other transcripts: intron variant (1).
Genome position (GRCh38, 1-based): chr3:151,365,035, C>T. VCF-style: chr3-151365035-C-T. GRCh37 (hg19) VCF-style: chr3-151082823-C-T.
Other names: c.2909C>T, p.Ser970Leu (NM_053002.6); c.-180+19657G>A (NM_022788.5); short protein forms S1005L, S970L.
Identifiers: ClinVar variation 3370780 (VCV003370780.1).
Genomic context (GRCh38, chr3:151,365,035, plus strand): 5'-TCAGTAGTGCCTGTTCAAAAGTAAAGCAAACCATATATAATAACGTGATGCCTGCAAATT[C>T]GAACTTGCGATGGGATCCAGACTTCATGATGGATTTTATTGAGAATCCCTCAGCCCGCAG-3'
Protein context (NP_001380698.1, residues 995-1015): TIYNNVMPAN[Ser1005Leu]NLRWDPDFMM